The following is an entry in ClinVar:

NM_001081.4(CUBN):c.7105G>A (p.Gly2369Arg)

Gene: CUBN (cubilin; minus strand). Cytogenetic location: 10p13.
Variant type: single nucleotide variant.
Coding change: c.7105G>A on transcript NM_001081.4 (MANE Select); coding-DNA position 7105, G replaced by A.
Protein change: p.Gly2369Arg; replaces glycine 2369 with arginine.
Molecular consequence: missense variant.
Genome position (GRCh38, 1-based): chr10:16,915,926, C>T on the plus strand (G>A on the coding strand, the complement: CUBN is on the minus strand). VCF-style: chr10-16915926-C-T. GRCh37 (hg19) VCF-style: chr10-16957925-C-T.
Other names: short protein forms G2369R.
Identifiers: ClinVar variation 2051197 (VCV002051197.2), dbSNP rs1323923916, ClinGen allele CA376146528.

ClinVar aggregate classification (germline): Uncertain significance (1 of 4 stars; one submission).

Conditions:
Imerslund-Grasbeck syndrome. Also called: Imerslund-Gräsbeck syndrome; PERNICIOUS ANEMIA, JUVENILE, DUE TO SELECTIVE INTESTINAL MALABSORPTION OF VITAMIN B12, WITH PROTEINURIA; ENTEROCYTE COBALAMIN MALABSORPTION; ENTEROCYTE INTRINSIC FACTOR RECEPTOR, DEFECT OF; Megaloblastic anemia due to inborn errors of metabolism. Identifiers: Orphanet 35858, MedGen C4551825, MONDO:0009853.

Allele frequency attached by ClinVar (database versions not stated): gnomAD exomes below 0.00001.
gnomAD v4.1: 1 of 1,613,844 alleles (0.000062%); highest among the groups gnomAD compares: Non-Finnish European, 0.000085%; no homozygotes.

Submission:

Labcorp Genetics (formerly Invitae), Labcorp
Classification: Uncertain significance for Imerslund-Grasbeck syndrome. Last evaluated: 2022-02-07. Review status: criteria provided, single submitter. Criteria: Invitae Variant Classification Sherloc (09022015). Collection method: clinical testing. Allele origin: germline.
Comment: This sequence change replaces glycine, which is neutral and non-polar, with arginine, which is basic and polar, at codon 2369 of the CUBN protein (p.Gly2369Arg). This variant is present in population databases (no rsID available, gnomAD 0.0009%). This variant has not been reported in the literature in individuals affected with CUBN-related conditions. Algorithms developed to predict the effect of missense changes on protein structure and function are either unavailable or do not agree on the potential impact of this missense change (SIFT: "Tolerated"; PolyPhen-2: "Probably Damaging"; Align-GVGD: "Class C0"). In summary, the available evidence is currently insufficient to determine the role of this variant in disease. Therefore, it has been classified as a Variant of Uncertain Significance.